The following is an entry in ClinVar:

ClinVar aggregate classification (germline): Uncertain significance (1 of 4 stars; one submission).

gnomAD v4.1: 1 of 1,613,988 alleles (0.000062%); highest among the groups gnomAD compares: Admixed American, 0.0017%; no homozygotes.

Submission:

Labcorp Genetics (formerly Invitae), Labcorp
Classification: Uncertain significance. Last evaluated: 2025-10-07. Review status: criteria provided, single submitter. Criteria: Invitae Variant Classification Sherloc (09022015). Collection method: clinical testing. Allele origin: germline.
Comment: This sequence change replaces histidine, which is basic and polar, with arginine, which is basic and polar, at codon 704 of the SLC26A5 protein (p.His704Arg). This variant is not present in population databases (gnomAD no frequency). This missense change has been observed in individual(s) with deafness (internal data). Invitae Evidence Modeling of protein sequence and biophysical properties (such as structural, functional, and spatial information, amino acid conservation, physicochemical variation, residue mobility, and thermodynamic stability) indicates that this missense variant is expected to disrupt SLC26A5 protein function with a positive predictive value of 80%. In summary, the available evidence is currently insufficient to determine the role of this variant in disease. Therefore, it has been classified as a Variant of Uncertain Significance.

NM_198999.3(SLC26A5):c.2111A>G (p.His704Arg)

Gene: SLC26A5 (solute carrier family 26 member 5; minus strand). Cytogenetic location: 7q22.1.
Variant type: single nucleotide variant.
Coding change: c.2111A>G on transcript NM_198999.3 (MANE Select); coding-DNA position 2111, A replaced by G.
Protein change: p.His704Arg; replaces histidine 704 with arginine.
Molecular consequence: missense variant. On other transcripts: non-coding transcript variant (4), intron variant (4).
Genome position (GRCh38, 1-based): chr7:103,374,523, T>C on the plus strand (A>G on the coding strand, the complement: SLC26A5 is on the minus strand). VCF-style: chr7-103374523-T-C. GRCh37 (hg19) VCF-style: chr7-103014970-T-C.
Other names: c.2015A>G, p.His672Arg (NM_001167962.2); c.972-21597A>G (NM_206885.3); c.1945+2285A>G (NM_001321787.2); c.1514+14485A>G (NM_206884.3); c.2041+2285A>G (NM_206883.3); short protein forms H672R, H704R.
Identifiers: ClinVar variation 4748114 (VCV004748114.1).
Genomic context (GRCh38, chr7:103,374,523, plus strand): 5'-GCTTCCTGTTCAGCAAGTGCCTCTCTAAGTTGGCTGCCTAAAACTGCATCATGAATGCTG[T>C]GGAACAGCAGCTCCCATAGGGCAGGATTTTCAAAAAATCTATTCCGAGTGAGGTCATTCA-3'
Protein context (NP_945350.1, residues 694-714): ENPALWELLF[His704Arg]SIHDAVLGSQ